The following is an entry in ClinVar:

ClinVar aggregate classification (germline): Uncertain significance (1 of 4 stars; one submission).

Conditions:
Familial cancer of breast. Also called: hereditary breast carcinoma; BREAST CANCER, FAMILIAL; Hereditary breast cancer. Identifiers: Orphanet 227535, MedGen C0346153, MONDO:0016419, OMIM 114480. Disease mechanism: loss of function.

Submission:

Labcorp Genetics (formerly Invitae), Labcorp
Classification: Uncertain significance for Familial cancer of breast. Last evaluated: 2022-08-26. Review status: criteria provided, single submitter. Criteria: Invitae Variant Classification Sherloc (09022015). Collection method: clinical testing. Allele origin: germline.
Comment: This variant has not been reported in the literature in individuals affected with CHEK2-related conditions. In summary, the available evidence is currently insufficient to determine the role of this variant in disease. Therefore, it has been classified as a Variant of Uncertain Significance. Algorithms developed to predict the effect of sequence changes on RNA splicing suggest that this variant may disrupt the consensus splice site. This variant is not present in population databases (gnomAD no frequency). This sequence change falls in intron 10 of the CHEK2 gene. It does not directly change the encoded amino acid sequence of the CHEK2 protein.

NM_007194.4(CHEK2):c.1096-15_1096-14insA

Gene: CHEK2 (checkpoint kinase 2; minus strand). Cytogenetic location: 22q12.1.
Variant type: Insertion.
Coding change: c.1096-15_1096-14insA on transcript NM_007194.4 (MANE Select); 15 bases into the intron before coding-DNA position 1096 through 14 bases into the intron before coding-DNA position 1096, A inserted.
Molecular consequence: intron variant.
Genome position: GRCh38 VCF-style: chr22-28695887-C-CT. GRCh37 (hg19) VCF-style: chr22-29091875-C-CT.
Other names: c.1225-15_1225-14insA (NM_001005735.3); c.433-15_433-14insA (NM_001437942.1, NM_001257387.3); c.895-15_895-14insA (NM_001349956.3); c.1009-15_1009-14insA (NM_145862.3); c.1102-15_1102-14insA (NM_001438295.1); c.1189-15_1189-14insA (NM_001438293.1); c.1138-15_1138-14insA (NM_001438294.1).
Identifiers: ClinVar variation 2027169 (VCV002027169.4), dbSNP rs2517811288, ClinGen allele CA2580099542.
Genomic context (GRCh38, chr22:28,695,887, plus strand): 5'-ATGAGAGAGGTCTCTCCCAAAATCTTGGAGTGCCCAAAATCAGTAATCTAAAATTCAGTA[C>CT]AAAAGGGAATAATGTTGAACTTGCCATAAAATAAAAAGATTAACATAGTCTGCCAGTCCA-3'